The following is an entry in ClinVar:

ClinVar aggregate classification (germline): Uncertain significance (1 of 4 stars; one submission).

Conditions:
L-2-hydroxyglutaric aciduria (L2HGA). Identifiers: Orphanet 79314, MedGen C1855995, MONDO:0009370, OMIM 236792, HP:0040144.

Submission:

Labcorp Genetics (formerly Invitae), Labcorp
Classification: Uncertain significance for L-2-hydroxyglutaric aciduria. Last evaluated: 2021-10-02. Review status: criteria provided, single submitter. Criteria: Invitae Variant Classification Sherloc (09022015). Collection method: clinical testing. Allele origin: germline.
Comment: This sequence change creates a premature translational stop signal (p.Ala442Leufs*11) in the L2HGDH gene. While this is not anticipated to result in nonsense mediated decay, it is expected to disrupt the last 22 amino acid(s) of the L2HGDH protein. This variant is not present in population databases (ExAC no frequency). This variant has not been reported in the literature in individuals affected with L2HGDH-related conditions. Experimental studies and prediction algorithms are not available or were not evaluated, and the functional significance of this variant is currently unknown. In summary, the available evidence is currently insufficient to determine the role of this variant in disease. Therefore, it has been classified as a Variant of Uncertain Significance.

NM_024884.3(L2HGDH):c.1323del (p.Ala442fs)

Gene: L2HGDH (L-2-hydroxyglutarate dehydrogenase; minus strand). Cytogenetic location: 14q21.3.
Variant type: Deletion.
Coding change: c.1323del on transcript NM_024884.3 (MANE Select); coding-DNA position 1323, one base deleted (T; older notation c.1323delT).
Protein change: p.Ala442fs; shifts the reading frame from alanine 442.
Molecular consequence: frameshift variant.
Genome position (GRCh38, 1-based): chr14:50,247,127, A deleted on the plus strand (T on the coding strand, the reverse complement: L2HGDH is on the minus strand). VCF-style (leftmost placement, unchanged base first): chr14-50247126-CA-C. GRCh37 (hg19) VCF-style: chr14-50713844-CA-C.
Other names: short protein forms A442fs.
Identifiers: ClinVar variation 1461122 (VCV001461122.6), dbSNP rs2139922335, ClinGen allele CA2573149928.